The following is an entry in ClinVar:

NM_020911.2(PLXNA4):c.51G>A (p.Met17Ile)

Gene: PLXNA4 (plexin A4; minus strand). Cytogenetic location: 7q32.3.
Variant type: single nucleotide variant.
Coding change: c.51G>A on transcript NM_020911.2 (MANE Select); coding-DNA position 51, G replaced by A.
Protein change: p.Met17Ile; replaces methionine 17 with isoleucine.
Molecular consequence: missense variant.
Genome position (GRCh38, 1-based): chr7:132,508,643, C>T on the plus strand (G>A on the coding strand, the complement: PLXNA4 is on the minus strand). VCF-style: chr7-132508643-C-T. GRCh37 (hg19) VCF-style: chr7-132193402-C-T.
Other names: c.51G>A, p.Met17Ile (NM_001105543.2, NM_001393897.1, NM_181775.4); short protein forms M17I.
Identifiers: ClinVar variation 4984874 (VCV004984874.1).
Genomic context (GRCh38, chr7:132,508,643, plus strand): 5'-CTGCTTCTGGGACAGCGGGGCTGGCTGCCGGGTGAGCAAAGTGGAGGAGCCCATGCCCAC[C>T]ATGAGGAGGTGGGAGAGAAGGCAGGTCCAGTTCCAGGGCATGGCTTTCATGGCAGAGGCG-3'
Protein context (NP_065962.1, residues 7-27): NWTCLLSHLL[Met17Ile]VGMGSSTLLT

ClinVar aggregate classification (germline): Uncertain significance (1 of 4 stars; one submission).

Conditions:
PLXNA4-related disorder. Also called: PLXNA4-related condition.

Submission:

PreventionGenetics, part of Exact Sciences
Classification: Uncertain significance for PLXNA4-related condition. Last evaluated: 2026-09-23. Review status: criteria provided, single submitter. Criteria: ACMG Guidelines, 2015. Collection method: clinical testing. Allele origin: germline.
Comment: The PLXNA4 c.51G>A variant is predicted to result in the amino acid substitution p.Met17Ile. To our knowledge, this variant has not been reported in the literature or in a large population database (gnomAD), indicating this variant is rare. At this time, the clinical significance of this variant is uncertain due to the absence of conclusive functional and genetic evidence.